The following is an entry in ClinVar:

ClinVar aggregate classification (germline): Uncertain significance (1 of 4 stars; one submission).

Conditions:
Hereditary nonpolyposis colorectal neoplasms. Identifiers: MedGen C0009405, MeSH D003123.

Submission:

Labcorp Genetics (formerly Invitae), Labcorp
Classification: Uncertain significance for Hereditary nonpolyposis colorectal neoplasms. Last evaluated: 2025-10-01. Review status: criteria provided, single submitter. Criteria: Invitae Variant Classification Sherloc (09022015). Collection method: clinical testing. Allele origin: germline.
Comment: This sequence change replaces aspartic acid, which is acidic and polar, with histidine, which is basic and polar, at codon 464 of the PMS2 protein (p.Asp464His). This variant is not present in population databases (gnomAD no frequency). This variant has not been reported in the literature in individuals affected with PMS2-related conditions. ClinVar contains an entry for this variant (Variation ID: 2813400). Invitae Evidence Modeling incorporating data from in vitro experimental studies (internal data) indicates that this missense variant is not expected to disrupt PMS2 function with a negative predictive value of 95%. In summary, the available evidence is currently insufficient to determine the role of this variant in disease. Therefore, it has been classified as a Variant of Uncertain Significance.

NM_000535.7(PMS2):c.1390G>C (p.Asp464His)

Gene: PMS2 (PMS1 homolog 2, mismatch repair system component; minus strand). Cytogenetic location: 7p22.1.
Variant type: single nucleotide variant.
Coding change: c.1390G>C on transcript NM_000535.7 (MANE Select); coding-DNA position 1390, G replaced by C.
Protein change: p.Asp464His; replaces aspartic acid 464 with histidine.
Molecular consequence: missense variant. On other transcripts: non-coding transcript variant (1), intron variant (1).
Genome position (GRCh38, 1-based): chr7:5,987,375, C>G on the plus strand (G>C on the coding strand, the complement: PMS2 is on the minus strand). VCF-style: chr7-5987375-C-G. GRCh37 (hg19) VCF-style: chr7-6027006-C-G.
Other names: c.985G>C, p.Asp329His (NM_001018040.1, NM_001322003.2, NM_001322004.2 and 17 more transcripts); c.1234G>C, p.Asp412His (NM_001322006.2, NM_001406870.1); c.1072G>C, p.Asp358His (NM_001322007.2, NM_001322008.2, NM_001406876.1 and 2 more transcripts); c.1390G>C, p.Asp464His (NM_001406871.1, NM_001406872.1, NM_001322014.2); c.1192G>C, p.Asp398His (NM_001406873.1); c.1222G>C, p.Asp408His (NM_001406874.1); c.1081G>C, p.Asp361His (NM_001406875.1, NM_001406877.1, NM_001406878.1 and 5 more transcripts); c.817G>C, p.Asp273His (NM_001406909.1, NM_001322013.2); and 13 more; short protein forms D342H, D352H, D358H, D408H, D412H, D472H, D273H, D361H.
Identifiers: ClinVar variation 2813400 (VCV002813400.3), dbSNP rs1394213772, ClinGen allele CA366742156.